The following is an entry in ClinVar:

NM_004586.3(RPS6KA3):c.359A>G (p.Asp120Gly)

Gene: RPS6KA3 (ribosomal protein S6 kinase A3; minus strand). Cytogenetic location: Xp22.12.
Variant type: single nucleotide variant.
Coding change: c.359A>G on transcript NM_004586.3 (MANE Select); coding-DNA position 359, A replaced by G.
Protein change: p.Asp120Gly; replaces aspartic acid 120 with glycine.
Molecular consequence: missense variant.
Genome position (GRCh38, 1-based): chrX:20,195,112, T>C on the plus strand (A>G on the coding strand, the complement: RPS6KA3 is on the minus strand). VCF-style: chrX-20195112-T-C. GRCh37 (hg19) VCF-style: chrX-20213230-T-C.
Other names: short protein forms D120G.
Identifiers: ClinVar variation 1315489 (VCV001315489.2), dbSNP rs2148703570, ClinGen allele CA412510961.

ClinVar aggregate classification (germline): Uncertain significance (1 of 4 stars; one submission).

gnomAD v4.1: 1 of 1,199,682 alleles (0.000083%); no homozygotes.

Submission:

GeneDx
Classification: Uncertain significance. Last evaluated: 2020-02-17. Review status: criteria provided, single submitter. Criteria: GeneDx Variant Classification Process June 2021. Collection method: clinical testing. Allele origin: germline. Affected: yes.
Comment: Not observed in large population cohorts (Lek et al., 2016); In silico analysis supports that this missense variant has a deleterious effect on protein structure/function; Has not been previously published as pathogenic or benign to our knowledge; Missense variants in nearby residues reported in the Human Gene Mutation Database (Stenson et al., 2014)